The following is an entry in ClinVar:

ClinVar aggregate classification (germline): Uncertain significance (1 of 4 stars; one submission).

Conditions:
Inborn genetic diseases. Identifiers: MedGen C0950123, MeSH D030342.

Submission:

Ambry Genetics
Classification: Uncertain significance for Inborn genetic diseases. Last evaluated: 2025-07-16. Review status: criteria provided, single submitter. Criteria: Ambry Variant Classification Scheme 2023. Collection method: clinical testing. Allele origin: germline.
Comment: The c.105-5T>G intronic variant results from a T to G substitution 5 nucleotides upstream from coding exon 2 in the MBD4 gene. This nucleotide position is well conserved in available vertebrate species. In silico splice site analysis predicts that this alteration may result in the creation or strengthening of a novel splice acceptor site. Based on the available evidence, the clinical significance of this variant remains unclear.

NM_001276270.2(MBD4):c.105-5T>G

Gene: MBD4 (methyl-CpG binding domain 4, DNA glycosylase; minus strand). Cytogenetic location: 3q21.3.
Variant type: single nucleotide variant.
Coding change: c.105-5T>G on transcript NM_001276270.2 (MANE Select); 5 bases into the intron before coding-DNA position 105, T replaced by G.
Molecular consequence: intron variant.
Genome position (GRCh38, 1-based): chr3:129,437,955, A>C on the plus strand (T>G on the coding strand, the complement: MBD4 is on the minus strand). VCF-style: chr3-129437955-A-C. GRCh37 (hg19) VCF-style: chr3-129156798-A-C.
Other names: c.105-5T>G (NM_001276273.2, NM_001276272.2, NM_003925.3 and 1 more transcripts).
Identifiers: ClinVar variation 4104606 (VCV004104606.1).